The following is an entry in ClinVar:

NM_012418.4(FSCN2):c.145G>A (p.Glu49Lys)

Gene: FSCN2 (fascin actin-bundling protein 2, retinal; plus strand). Cytogenetic location: 17q25.3.
Variant type: single nucleotide variant.
Coding change: c.145G>A on transcript NM_012418.4 (MANE Select); coding-DNA position 145, G replaced by A.
Protein change: p.Glu49Lys; replaces glutamic acid 49 with lysine.
Molecular consequence: missense variant.
Genome position (GRCh38, 1-based): chr17:81,528,676, G>A. VCF-style: chr17-81528676-G-A. GRCh37 (hg19) VCF-style: chr17-79495702-G-A.
Other names: c.145G>A, p.Glu49Lys (NM_001077182.3); short protein forms E49K.
Identifiers: ClinVar variation 1932624 (VCV001932624.5), dbSNP rs1555670557, ClinGen allele CA401469921.
Genomic context (GRCh38, chr17:81,528,676, plus strand): 5'-TTCGGCTTCAAGGTCAATGCCTCGGCACCCAGCCTCAAGAGGAAGCAGACCTGGGTGCTG[G>A]AACCCGACCCAGGACAAGGCACGGCTGTGCTGCTCCGCAGCAGCCACCTGGGCCGCTACC-3'
Protein context (NP_036550.1, residues 39-59): SLKRKQTWVL[Glu49Lys]PDPGQGTAVL

ClinVar aggregate classification (germline): Uncertain significance (1 of 4 stars; one submission).

Allele frequency attached by ClinVar (database versions not stated): gnomAD exomes below 0.00001; gnomAD 0.00001; TOPMed 0.00001.
gnomAD v4.1: 5 of 1,601,450 alleles (0.00031%); highest among the groups gnomAD compares: African/African-American, 0.0067%; no homozygotes.

Submission:

Labcorp Genetics (formerly Invitae), Labcorp
Classification: Uncertain significance. Last evaluated: 2025-01-19. Review status: criteria provided, single submitter. Criteria: Invitae Variant Classification Sherloc (09022015). Collection method: clinical testing. Allele origin: germline.
Comment: This sequence change replaces glutamic acid, which is acidic and polar, with lysine, which is basic and polar, at codon 49 of the FSCN2 protein (p.Glu49Lys). This variant is present in population databases (no rsID available, gnomAD 0.01%). This variant has not been reported in the literature in individuals affected with FSCN2-related conditions. ClinVar contains an entry for this variant (Variation ID: 1932624). An algorithm developed to predict the effect of missense changes on protein structure and function (PolyPhen-2) suggests that this variant is likely to be disruptive. In summary, the available evidence is currently insufficient to determine the role of this variant in disease. Therefore, it has been classified as a Variant of Uncertain Significance.